The following is an entry in ClinVar:

NM_013296.5(GPSM2):c.1493G>A (p.Arg498Gln)

Gene: GPSM2 (G protein signaling modulator 2; plus strand). Cytogenetic location: 1p13.3.
Variant type: single nucleotide variant.
Coding change: c.1493G>A on transcript NM_013296.5 (MANE Select); coding-DNA position 1493, G replaced by A.
Protein change: p.Arg498Gln; replaces arginine 498 with glutamine.
Molecular consequence: missense variant.
Genome position (GRCh38, 1-based): chr1:108,922,469, G>A. VCF-style: chr1-108922469-G-A. GRCh37 (hg19) VCF-style: chr1-109465091-G-A.
Other names: c.1493G>A, p.Arg498Gln (NM_001321038.2, NM_001321039.3); short protein forms R498Q.
Identifiers: ClinVar variation 1305244 (VCV001305244.2), dbSNP rs762107426, ClinGen allele CA983075.
Genomic context (GRCh38, chr1:108,922,469, plus strand): 5'-TATTTTAGAAAATCAGTGCAGATACTATTGGAGATGAAGGGTTCTTTGACTTATTAAGCC[G>A]ATTTCAAAGCAATAGGATGGATGATCAGAGATGTTGCTTACAAGAAAAGAACTGCCATAC-3'
Protein context (NP_037428.3, residues 488-508): GDEGFFDLLS[Arg498Gln]FQSNRMDDQR

ClinVar aggregate classification (germline): Uncertain significance (1 of 4 stars; one submission).

Allele frequency attached by ClinVar (database versions not stated): ExAC 0.00003; gnomAD 0.00003 and 0.00004; gnomAD exomes 0.00003 and 0.00005; TOPMed 0.00005.
gnomAD v4.1: 80 of 1,611,854 alleles (0.005%); highest among the groups gnomAD compares: South Asian, 0.0066%; no homozygotes.

Submission:

GeneDx
Classification: Uncertain significance. Last evaluated: 2019-04-26. Review status: criteria provided, single submitter. Criteria: GeneDx Variant Classification Process June 2021. Collection method: clinical testing. Allele origin: germline. Affected: yes.
Comment: Not observed at a significant frequency in large population cohorts (Lek et al., 2016); In silico analysis, which includes protein predictors and evolutionary conservation, supports that this variant does not alter protein structure/function; Has not been previously published as pathogenic or benign to our knowledge